The following is an entry in ClinVar:

NM_001004334.4(GPR179):c.1478= (p.His493=)

Gene: GPR179 (G protein-coupled receptor 179; minus strand). Cytogenetic location: 17q12.
Variant type: single nucleotide variant.
Coding change: c.1478= on transcript NM_001004334.4 (MANE Select); coding-DNA position 1478, no change from the reference sequence.
Protein change: p.His493=; no amino-acid change (histidine 493 retained).
Molecular consequence: no sequence alteration.
Genome position: GRCh38 VCF-style: chr17-38335200-T-T. GRCh37 (hg19) VCF-style: chr17-36491083-C-T.
Identifiers: ClinVar variation 198441 (VCV000198441.20), dbSNP rs4550493.
Genomic context (GRCh38, chr17:38,335,200, plus strand): 5'-AGGGCGCCCACGGTCCACACAGCCAGGAAGCCCAGCACAGGTAGCAGGAGCAGCCCCAGG[T=]GCCGCAGCAGCCGCCCGCTGCTCAGAAGGGCACTCCGCTGGGCCGTTCGAGACAGAAACA-3'
Protein context (NP_001004334.3, residues 483-503): ALLSSGRLLR[His493=]LGLLLLPVLG

ClinVar aggregate classification (germline): Benign. Review status: criteria provided, multiple submitters, no conflicts (2 of 4 stars). 4 submissions from 4 submitters: Benign (4). Last evaluated 2026-02-01.

Conditions:
Congenital stationary night blindness 1E. Also called: Night blindness, congenital stationary (complete), 1E, autosomal recessive. Identifiers: Orphanet 215, MedGen C3281215, MONDO:0013807, OMIM 614565.

Allele frequency attached by ClinVar (database versions not stated): 1000 Genomes Project 30x 0.03154; TOPMed 0.04389; gnomAD 0.04811 and 0.04915; gnomAD exomes 0.05026.

Submissions (4):

Labcorp Genetics (formerly Invitae), Labcorp
Classification: Benign. Last evaluated: 2026-02-01. Review status: criteria provided, single submitter. Criteria: Invitae Variant Classification Sherloc (09022015). Collection method: clinical testing. Allele origin: germline.

Illumina Laboratory Services, Illumina
Classification: Benign for Congenital stationary night blindness 1E. Last evaluated: 2018-01-13. Review status: criteria provided, single submitter. Criteria: ICSL Variant Classification Criteria 13 December 2019. Collection method: clinical testing. Allele origin: germline.
Comment: This variant was observed in the ICSL laboratory as part of a predisposition screen in an ostensibly healthy population. It had not been previously curated by ICSL or reported in the Human Gene Mutation Database (HGMD: prior to June 1st, 2018), and was therefore a candidate for classification through an automated scoring system. Utilizing variant allele frequency, disease prevalence and penetrance estimates, and inheritance mode, an automated score was calculated to assess if this variant is too frequent to cause the disease. Based on the score and internal cut-off values, a variant classified as benign is not then subjected to further curation. The score for this variant resulted in a classification of benign for this disease.

Eurofins Ntd Llc (ga)
Classification: Benign. Last evaluated: 2014-12-19. Review status: criteria provided, single submitter. Criteria: EGL Classification Definitions 2015. Collection method: clinical testing. Allele origin: germline. Observed: 1 variant allele, 1 heterozygote.

Breakthrough Genomics
Classification: Benign. Review status: criteria provided, single submitter. Criteria: ACMG Guidelines, 2015. Collection method: not provided. Allele origin: germline. Inheritance: Autosomal recessive inheritance. Affected: yes.